The following is an entry in ClinVar:

NM_020937.4(FANCM):c.5144A>T (p.Gln1715Leu)

Gene: FANCM (FA complementation group M; plus strand). Cytogenetic location: 14q21.2.
Variant type: single nucleotide variant.
Coding change: c.5144A>T on transcript NM_020937.4 (MANE Select); coding-DNA position 5144, A replaced by T.
Protein change: p.Gln1715Leu; replaces glutamine 1715 with leucine.
Molecular consequence: missense variant.
Genome position (GRCh38, 1-based): chr14:45,189,166, A>T. VCF-style: chr14-45189166-A-T. GRCh37 (hg19) VCF-style: chr14-45658369-A-T.
Other names: c.5066A>T, p.Gln1689Leu (NM_001308133.2); short protein forms Q1689L, Q1715L.
Identifiers: ClinVar variation 4022576 (VCV004022576.2).

ClinVar aggregate classification (germline): Uncertain significance. Review status: criteria provided, multiple submitters, no conflicts (2 of 4 stars). 2 submissions from 2 submitters: Uncertain significance (2). Last evaluated 2025-03-15.

Conditions:
Inborn genetic diseases. Identifiers: MedGen C0950123, MeSH D030342.

gnomAD v4.1: 2 of 1,614,052 alleles (0.00012%); highest among the groups gnomAD compares: South Asian, 0.0022%; no homozygotes.

Submissions (2):

Ambry Genetics
Classification: Uncertain significance for Inborn genetic diseases. Last evaluated: 2025-03-15. Review status: criteria provided, single submitter. Criteria: Ambry Variant Classification Scheme 2023. Collection method: clinical testing. Allele origin: germline.
Comment: The p.Q1715L variant (also known as c.5144A>T), located in coding exon 20 of the FANCM gene, results from an A to T substitution at nucleotide position 5144. The glutamine at codon 1715 is replaced by leucine, an amino acid with dissimilar properties. This amino acid position is conserved. In addition, this alteration is predicted to be tolerated by in silico analysis. Based on the available evidence, the clinical significance of this variant remains unclear.

Blueprint Genetics
Classification: Uncertain significance. Last evaluated: 2023-04-12. Review status: criteria provided, single submitter. Criteria: ACMG Guidelines, 2015. Collection method: clinical testing. Allele origin: germline.